The following is an entry in ClinVar:

NM_001199138.2(NLRC4):c.1778A>G (p.Asp593Gly)

Gene: NLRC4 (NLR family CARD domain containing 4; minus strand). Cytogenetic location: 2p22.3.
Variant type: single nucleotide variant.
Coding change: c.1778A>G on transcript NM_001199138.2 (MANE Select); coding-DNA position 1778, A replaced by G.
Protein change: p.Asp593Gly; replaces aspartic acid 593 with glycine.
Molecular consequence: missense variant. On other transcripts: intron variant (1).
Genome position (GRCh38, 1-based): chr2:32,250,086, T>C on the plus strand (A>G on the coding strand, the complement: NLRC4 is on the minus strand). VCF-style: chr2-32250086-T-C. GRCh37 (hg19) VCF-style: chr2-32475155-T-C.
Other names: c.1778A>G, p.Asp593Gly (NM_001199139.2, NM_021209.5); c.262+2333A>G (NM_001302504.1); short protein forms D593G.
Identifiers: ClinVar variation 1063089 (VCV001063089.9), dbSNP rs2148941919, ClinGen allele CA346511723.

ClinVar aggregate classification (germline): Uncertain significance (1 of 4 stars; one submission).

Conditions:
Familial cold autoinflammatory syndrome 4 (FCAS4). Identifiers: Orphanet 47045, Orphanet 576349, MedGen C4015276, MONDO:0014498, OMIM 616115.
Periodic fever-infantile enterocolitis-autoinflammatory syndrome. Also called: Autoinflammation with infantile enterocolitis. Identifiers: Orphanet 436166, MedGen C4015067, MONDO:0014472, OMIM 616050.

Submission:

Labcorp Genetics (formerly Invitae), Labcorp
Classification: Uncertain significance for Periodic fever-infantile enterocolitis-autoinflammatory syndrome; Familial cold autoinflammatory syndrome 4. Last evaluated: 2022-07-11. Review status: criteria provided, single submitter. Criteria: Invitae Variant Classification Sherloc (09022015). Collection method: clinical testing. Allele origin: germline.
Comment: In summary, the available evidence is currently insufficient to determine the role of this variant in disease. Therefore, it has been classified as a Variant of Uncertain Significance. Algorithms developed to predict the effect of missense changes on protein structure and function (SIFT, PolyPhen-2, Align-GVGD) all suggest that this variant is likely to be tolerated. ClinVar contains an entry for this variant (Variation ID: 1063089). This variant has not been reported in the literature in individuals affected with NLRC4-related conditions. This variant is not present in population databases (gnomAD no frequency). This sequence change replaces aspartic acid, which is acidic and polar, with glycine, which is neutral and non-polar, at codon 593 of the NLRC4 protein (p.Asp593Gly).